The following is an entry in ClinVar:

ClinVar aggregate classification (germline): Uncertain significance (1 of 4 stars; one submission).

Conditions:
Developmental and epileptic encephalopathy, 2 (DEE2). Also called: INFANTILE SPASM SYNDROME, X-LINKED 2; CDKL5 deficiency disorder. Identifiers: Orphanet 1934, Orphanet 3451, Orphanet 505652, MedGen C4750718, MONDO:0010396, OMIM 300672.
Angelman syndrome-like. Identifiers: MedGen CN128785.

Allele frequency attached by ClinVar (database versions not stated): gnomAD exomes below 0.00001; gnomAD 0.00001.
gnomAD v4.1: 9 of 1,210,189 alleles (0.00074%); highest among the groups gnomAD compares: African/African-American, 0.01%; no homozygotes.

Submission:

Labcorp Genetics (formerly Invitae), Labcorp
Classification: Uncertain significance for Developmental and epileptic encephalopathy, 2; Angelman syndrome-like. Last evaluated: 2025-08-25. Review status: criteria provided, single submitter. Criteria: Invitae Variant Classification Sherloc (09022015). Collection method: clinical testing. Allele origin: germline.
Comment: This sequence change replaces proline, which is neutral and non-polar, with leucine, which is neutral and non-polar, at codon 919 of the CDKL5 protein (p.Pro919Leu). This variant is not present in population databases (gnomAD no frequency). This variant has not been reported in the literature in individuals affected with CDKL5-related conditions. ClinVar contains an entry for this variant (Variation ID: 2180398). Invitae Evidence Modeling of protein sequence and biophysical properties (such as structural, functional, and spatial information, amino acid conservation, physicochemical variation, residue mobility, and thermodynamic stability) indicates that this missense variant is not expected to disrupt CDKL5 protein function with a negative predictive value of 95%. In summary, the available evidence is currently insufficient to determine the role of this variant in disease. Therefore, it has been classified as a Variant of Uncertain Significance.

NC_000023.11:g.18646049C>T

Genes: CDKL5 (cyclin dependent kinase like 5; plus strand), RS1 (retinoschisin 1; minus strand). Cytogenetic location: Xp22.13.
Variant type: single nucleotide variant.
Molecular consequence: intron variant (on NM_000330.4). On other transcripts: missense variant (2).
Genome position: GRCh38 VCF-style: chrX-18646049-C-T. GRCh37 (hg19) VCF-style: chrX-18664169-C-T.
Other names: c.2756C>T, p.Pro919Leu (NM_001037343.2, NM_003159.3); c.326+1142G>A (NM_000330.4); short protein forms P919L.
Identifiers: ClinVar variation 2180398 (VCV002180398.4), dbSNP rs568161022, ClinGen allele CA327012003.